The following is an entry in ClinVar:

ClinVar aggregate classification (germline): Benign. Review status: criteria provided, multiple submitters, no conflicts (2 of 4 stars). 5 submissions from 4 submitters: Benign (5). Last evaluated 2026-02-04.

Conditions:
Cataract 44 (CTRCT44). Also called: CATARACT 44 AND HYPOTRICHOSIS. Identifiers: Orphanet 91492, Orphanet 98994, MedGen C4225300, MONDO:0014673, OMIM 616509.
Alopecia-intellectual disability syndrome 4. Also called: ALOPECIA-MENTAL RETARDATION SYNDROME 4. Identifiers: MedGen C5394241, MONDO:0030009, OMIM 618840.

Allele frequency attached by ClinVar (database versions not stated): gnomAD 0.71783 and 0.72214; TOPMed 0.72423; 1000 Genomes Project 0.73223; ExAC 0.67499; 1000 Genomes Project 30x 0.73470; ESP Exome Variant Server 0.74173.

Submissions (5):

Labcorp Genetics (formerly Invitae), Labcorp
Classification: Benign. Last evaluated: 2026-02-04. Review status: criteria provided, single submitter. Criteria: Invitae Variant Classification Sherloc (09022015). Collection method: clinical testing. Allele origin: germline.

Genome-Nilou Lab
Classification: Benign for Alopecia-intellectual disability syndrome 4. Last evaluated: 2021-09-05. Review status: criteria provided, single submitter. Criteria: ACMG Guidelines, 2015. Collection method: clinical testing. Allele origin: germline. Affected: no.

Genome-Nilou Lab
Classification: Benign for Cataract 44. Last evaluated: 2021-09-05. Review status: criteria provided, single submitter. Criteria: ACMG Guidelines, 2015. Collection method: clinical testing. Allele origin: germline. Affected: no.

GeneDx
Classification: Benign. Last evaluated: 2018-03-24. Review status: criteria provided, single submitter. Criteria: GeneDx Variant Classification (06012015). Collection method: clinical testing. Allele origin: germline. Affected: yes.
Comment: This variant is considered likely benign or benign based on one or more of the following criteria: it is a conservative change, it occurs at a poorly conserved position in the protein, it is predicted to be benign by multiple in silico algorithms, and/or has population frequency not consistent with disease.

Breakthrough Genomics
Classification: Benign. Review status: criteria provided, single submitter. Criteria: ACMG Guidelines, 2015. Collection method: not provided. Allele origin: germline. Inheritance: Autosomal recessive inheritance. Affected: yes.

NM_002340.6(LSS):c.1924T>G (p.Leu642Val)

Gene: LSS (lanosterol synthase; minus strand). Cytogenetic location: 21q22.3.
Variant type: single nucleotide variant.
Coding change: c.1924T>G on transcript NM_002340.6 (MANE Select); coding-DNA position 1924, T replaced by G.
Protein change: p.Leu642Val; replaces leucine 642 with valine.
Molecular consequence: missense variant.
Genome position (GRCh38, 1-based): chr21:46,194,555, A>C on the plus strand (T>G on the coding strand, the complement: LSS is on the minus strand). VCF-style: chr21-46194555-A-C. GRCh37 (hg19) VCF-style: chr21-47614469-A-C.
Other names: c.1924T>G, p.Leu642Val (NM_001001438.3); c.1891T>G, p.Leu631Val (NM_001145436.2); c.1684T>G, p.Leu562Val (NM_001145437.2); short protein forms L631V, L562V, L642V.
Identifiers: ClinVar variation 677175 (VCV000677175.12), dbSNP rs2254524, ClinGen allele CA10074800.